The following is an entry in ClinVar:

NM_181552.4(CUX1):c.710A>T (p.Glu237Val)

Gene: CUX1 (cut like homeobox 1; plus strand). Cytogenetic location: 7q22.1.
Variant type: single nucleotide variant.
Coding change: c.710A>T on transcript NM_181552.4 (MANE Select); coding-DNA position 710, A replaced by T.
Protein change: p.Glu237Val; replaces glutamic acid 237 with valine.
Molecular consequence: missense variant.
Genome position (GRCh38, 1-based): chr7:102,158,595, A>T. VCF-style: chr7-102158595-A-T. GRCh37 (hg19) VCF-style: chr7-101801875-A-T.
Other names: c.743A>T, p.Glu248Val (NM_001202543.2, NM_001913.5, NM_181500.4); c.695A>T, p.Glu232Val (NM_001202544.3); c.605A>T, p.Glu202Val (NM_001202545.3); c.632A>T, p.Glu211Val (NM_001202546.3); short protein forms E202V, E211V, E232V, E237V, E248V.
Identifiers: ClinVar variation 3375207 (VCV003375207.1).

ClinVar aggregate classification (germline): Uncertain significance (1 of 4 stars; one submission).

gnomAD v4.1: 4 of 1,613,938 alleles (0.00025%); highest among the groups gnomAD compares: Admixed American, 0.005%; no homozygotes.

Submission:

Women's Health and Genetics/Laboratory Corporation of America, LabCorp
Classification: Uncertain significance. Last evaluated: 2024-09-25. Review status: criteria provided, single submitter. Criteria: LabCorp Variant Classification Summary - May 2015. Collection method: clinical testing. Allele origin: germline.
Comment: Variant summary: CUX1 c.743A>T (p.Glu248Val) results in a non-conservative amino acid change in the encoded protein sequence. Four of five in-silico tools predict a damaging effect of the variant on protein function. The variant allele was found at a frequency of 1.6e-05 in 251432 control chromosomes. The available data on variant occurrences in the general population are insufficient to allow any conclusion about variant significance. To our knowledge, no occurrence of c.743A>T in individuals affected with Global Developmental Delay With Or Without Impaired Intellectual Development and no experimental evidence demonstrating its impact on protein function have been reported. No submitters have cited clinical-significance assessments for this variant to ClinVar. Based on the evidence outlined above, the variant was classified as uncertain significance.